The following is an entry in ClinVar:

ClinVar aggregate classification (germline): Uncertain significance. Review status: criteria provided, multiple submitters, no conflicts (2 of 4 stars). 2 submissions from 2 submitters: Uncertain significance (2). Last evaluated 2026-04-09.

Conditions:
Inborn genetic diseases. Identifiers: MedGen C0950123, MeSH D030342.

Allele frequency attached by ClinVar (database versions not stated): gnomAD exomes 0.00003; ExAC 0.00013; 1000 Genomes Project 0.00020; 1000 Genomes Project 30x 0.00031; ESP Exome Variant Server 0.00038; TOPMed 0.00056.
gnomAD v4.1: 118 of 1,614,086 alleles (0.0073%); highest among the groups gnomAD compares: African/African-American, 0.13%; no homozygotes.

Submissions (2):

GeneDx
Classification: Uncertain significance. Last evaluated: 2026-04-09. Review status: criteria provided, single submitter. Criteria: GeneDx Variant Classification Process June 2021. Collection method: clinical testing. Allele origin: germline.
Comment: In silico analysis suggests that this missense variant does not alter protein structure/function; Has not been previously published as pathogenic or benign to our knowledge

Ambry Genetics
Classification: Uncertain significance for Inborn genetic diseases. Last evaluated: 2023-10-27. Review status: criteria provided, single submitter. Criteria: Ambry Variant Classification Scheme 2023. Collection method: clinical testing. Allele origin: germline.

NM_024101.7(MLPH):c.634C>G (p.Leu212Val)

Gene: MLPH (melanophilin; plus strand). Cytogenetic location: 2q37.3.
Variant type: single nucleotide variant.
Coding change: c.634C>G on transcript NM_024101.7 (MANE Select); coding-DNA position 634, C replaced by G.
Protein change: p.Leu212Val; replaces leucine 212 with valine.
Molecular consequence: missense variant. On other transcripts: non-coding transcript variant (1), intron variant (1).
Genome position (GRCh38, 1-based): chr2:237,519,988, C>G. VCF-style: chr2-237519988-C-G. GRCh37 (hg19) VCF-style: chr2-238428631-C-G.
Other names: c.634C>G (NM_024101.6); c.555+1340C>G (NM_001281473.2); c.634C>G, p.Leu212Val (NM_001042467.3, NM_001281474.2); short protein forms L212V.
Identifiers: ClinVar variation 3210128 (VCV003210128.2), dbSNP rs145871473, ClinGen allele CA2190299.